The following is an entry in ClinVar:

ClinVar aggregate classification (germline): Uncertain significance. Review status: reviewed by expert panel (3 of 4 stars). 2 submissions from 2 submitters: Uncertain significance (1). 1 of the submissions does not count toward it. Last evaluated 2025-01-15.

Conditions:
Hereditary thrombocytopenia and hematologic cancer predisposition syndrome. Identifiers: Orphanet 71290, MedGen CN281654, MONDO:0011071.

Submissions (2):

ClinGen Myeloid Malignancy Variant Curation Expert Panel
Classification: Uncertain significance for Hereditary thrombocytopenia and hematologic cancer predisposition syndrome. Last evaluated: 2025-01-15. Review status: reviewed by expert panel. Criteria: ClinGen MyeloMalig ACMG Specifications v2. Collection method: curation. Allele origin: germline. Inheritance: Autosomal dominant inheritance.
Comment: NM_001754.5(RUNX1):c.454A>C (p.Lys152Gln) is a missense variant which is completely absent from all population databases with at least 20x coverage for RUNX1 (PM2_supporting). This missense variant is located within the Runt Homology Domain (AA 89-204) but does not occur in an established hotspot residue (PM1_supporting). It has a REVEL score ≥ 0.88 (0.956) (PP3). In summary, the clinical significance of this variant is uncertain. ACMG/AMP criteria applied, as specified by the Myeloid Malignancy Variant Curation Expert Panel for RUNX1: PP3, PM1_supporting, PM2_supporting.

GeneDx
Classification: Uncertain significance. Last evaluated: 2023-03-15. Review status: criteria provided, single submitter. Criteria: GeneDx Variant Classification Process June 2021. Collection method: clinical testing. Allele origin: germline. Affected: yes. Not counted in ClinVar's aggregate classification.
Comment: Not observed at significant frequency in large population cohorts (gnomAD); In silico analysis supports that this missense variant has a deleterious effect on protein structure/function; Has not been previously published as pathogenic or benign to our knowledge

NM_001754.5(RUNX1):c.454A>C (p.Lys152Gln)

Genes: RUNX1 (RUNX family transcription factor 1; minus strand), RUNX1-AS1 (RUNX1 antisense RNA 1; plus strand). Cytogenetic location: 21q22.12.
Variant type: single nucleotide variant.
Coding change: c.454A>C on transcript NM_001754.5 (MANE Select); coding-DNA position 454, A replaced by C.
Protein change: p.Lys152Gln; replaces lysine 152 with glutamine.
Molecular consequence: missense variant.
Genome position (GRCh38, 1-based): chr21:34,880,611, T>G on the plus strand (A>C on the coding strand, the complement: RUNX1 is on the minus strand). VCF-style: chr21-34880611-T-G. GRCh37 (hg19) VCF-style: chr21-36252908-T-G.
Other names: NM_001754.5(RUNX1):c.454A>C; p.Lys152Gln; c.373A>C, p.Lys125Gln (NM_001001890.3, NM_001122607.2); short protein forms K125Q, K152Q.
Identifiers: ClinVar variation 2580053 (VCV002580053.2), dbSNP rs2517438204, ClinGen allele CA410202578.
Genomic context (GRCh38, chr21:34,880,611, plus strand): 5'-ACGTACCTCTTCCACTTCGACCGACAAACCTGAGGTCATTAAATCTTGCAACCTGGTTCT[T>G]CATGGCTGCGGTAGCATTTCTCAGCTCAGCCGAGTAGTTTTCATCATTGCCAGCCATCAC-3'
Protein context (NP_001745.2, residues 142-162): AELRNATAAM[Lys152Gln]NQVARFNDLR